The following is an entry in ClinVar:

ClinVar aggregate classification (germline): Uncertain significance. Review status: criteria provided, multiple submitters, no conflicts (2 of 4 stars). 2 submissions from 2 submitters: Uncertain significance (2). Last evaluated 2025-11-01.

Submissions (2):

Labcorp Genetics (formerly Invitae), Labcorp
Classification: Uncertain significance. Last evaluated: 2025-11-01. Review status: criteria provided, single submitter. Criteria: Invitae Variant Classification Sherloc (09022015). Collection method: clinical testing. Allele origin: germline.
Comment: This sequence change replaces glutamic acid, which is acidic and polar, with glutamine, which is neutral and polar, at codon 387 of the CREB3L3 protein (p.Glu387Gln). This variant is not present in population databases (gnomAD no frequency). This variant has not been reported in the literature in individuals affected with CREB3L3-related conditions. ClinVar contains an entry for this variant (Variation ID: 4234007). Invitae Evidence Modeling of protein sequence and biophysical properties (such as structural, functional, and spatial information, amino acid conservation, physicochemical variation, residue mobility, and thermodynamic stability) indicates that this missense variant is not expected to disrupt CREB3L3 protein function with a negative predictive value of 80%. In summary, the available evidence is currently insufficient to determine the role of this variant in disease. Therefore, it has been classified as a Variant of Uncertain Significance.

Ambry Genetics
Classification: Uncertain significance. Last evaluated: 2025-07-15. Review status: criteria provided, single submitter. Criteria: Ambry Variant Classification Scheme 2023. Collection method: clinical testing. Allele origin: germline.

NM_032607.3(CREB3L3):c.1159G>C (p.Glu387Gln)

Genes: CREB3L3 (cAMP responsive element binding protein 3 like 3; plus strand), LOC125371455 (Sharpr-MPRA regulatory region 11650; plus strand). Cytogenetic location: 19p13.3.
Variant type: single nucleotide variant.
Coding change: c.1159G>C on transcript NM_032607.3 (MANE Select); coding-DNA position 1159, G replaced by C.
Protein change: p.Glu387Gln; replaces glutamic acid 387 with glutamine.
Molecular consequence: missense variant. On other transcripts: 3 prime UTR variant (1).
Genome position (GRCh38, 1-based): chr19:4,171,742, G>C. VCF-style: chr19-4171742-G-C. GRCh37 (hg19) VCF-style: chr19-4171739-G-C.
Other names: c.1156G>C, p.Glu386Gln (NM_001271995.2); c.1153G>C, p.Glu385Gln (NM_001271996.2); c.*38G>C (NM_001271997.2); short protein forms E385Q, E387Q, E386Q.
Identifiers: ClinVar variation 4234007 (VCV004234007.2).